The following is an entry in ClinVar:

ClinVar aggregate classification (germline): Uncertain significance (1 of 4 stars; one submission).

gnomAD v4.1: 3 of 1,613,988 alleles (0.00019%); highest among the groups gnomAD compares: African/African-American, 0.0013%; no homozygotes.

Submission:

GeneDx
Classification: Uncertain significance. Last evaluated: 2025-04-09. Review status: criteria provided, single submitter. Criteria: GeneDx Variant Classification Process June 2021. Collection method: clinical testing. Allele origin: germline. Affected: yes.
Comment: Not observed at significant frequency in large population cohorts (gnomAD); In silico analysis supports that this missense variant has a deleterious effect on protein structure/function; Has not been previously published as pathogenic or benign to our knowledge

NM_001160372.4(TRAPPC9):c.1982G>A (p.Gly661Asp)

Gene: TRAPPC9 (trafficking protein particle complex subunit 9; minus strand). Cytogenetic location: 8q24.3.
Variant type: single nucleotide variant.
Coding change: c.1982G>A on transcript NM_001160372.4 (MANE Select); coding-DNA position 1982, G replaced by A.
Protein change: p.Gly661Asp; replaces glycine 661 with aspartic acid.
Molecular consequence: missense variant. On other transcripts: non-coding transcript variant (1).
Genome position (GRCh38, 1-based): chr8:140,284,021, C>T on the plus strand (G>A on the coding strand, the complement: TRAPPC9 is on the minus strand). VCF-style: chr8-140284021-C-T. GRCh37 (hg19) VCF-style: chr8-141294120-C-T.
Other names: c.1955G>A, p.Gly652Asp (NM_001321646.2); c.2003G>A, p.Gly668Asp (NM_001374682.1); c.1982G>A, p.Gly661Asp (NM_001374683.1, NM_031466.8); c.1838G>A, p.Gly613Asp (NM_001374684.1); short protein forms G613D, G652D, G661D, G668D.
Identifiers: ClinVar variation 4281704 (VCV004281704.1).